The following is an entry in ClinVar:

ClinVar aggregate classification (germline): Likely benign. Review status: criteria provided, multiple submitters, no conflicts (2 of 4 stars). 3 submissions from 3 submitters: Likely benign (3). Last evaluated 2026-01-31.

Conditions:
Mitochondrial complex II deficiency, nuclear type 1. Also called: SUCCINATE CoQ REDUCTASE DEFICIENCY. Identifiers: Orphanet 3208, MedGen C5700310, MONDO:0100294, OMIM 252011.
Pheochromocytoma/paraganglioma syndrome 5. Also called: Paragangliomas 5; SDHA-Related Hereditary Paraganglioma-Pheochromocytoma Syndrome. Identifiers: Orphanet 29072, MedGen C3279992, MONDO:0013602, OMIM 614165.

Allele frequency attached by ClinVar (database versions not stated): ExAC 0.00001; gnomAD exomes 0.00001 and 0.00002; TOPMed 0.00001.
gnomAD v4.1: 33 of 1,596,058 alleles (0.0021%); highest among the groups gnomAD compares: Non-Finnish European, 0.0024%; no homozygotes.

Submissions (3):

Labcorp Genetics (formerly Invitae), Labcorp
Classification: Likely benign for Pheochromocytoma/paraganglioma syndrome 5; Mitochondrial complex II deficiency, nuclear type 1. Last evaluated: 2026-01-31. Review status: criteria provided, single submitter. Criteria: Invitae Variant Classification Sherloc (09022015). Collection method: clinical testing. Allele origin: germline.

Myriad Genetics, Inc.
Classification: Likely benign for Pheochromocytoma/paraganglioma syndrome 5. Last evaluated: 2025-02-28. Review status: criteria provided, single submitter. Criteria: Myriad Autosomal Dominant, Autosomal Recessive and X-Linked Classification Criteria (2023). Collection method: clinical testing. Allele origin: unknown.
Comment: This variant is considered likely benign. This variant is intronic and is not expected to impact mRNA splicing.

Blueprint Genetics
Classification: Likely benign. Last evaluated: 2023-09-20. Review status: criteria provided, single submitter. Criteria: ACMG Guidelines, 2015. Collection method: clinical testing. Allele origin: germline.

NM_004168.4(SDHA):c.64-12C>T

Gene: SDHA (succinate dehydrogenase complex flavoprotein subunit A; plus strand). Cytogenetic location: 5p15.33.
Variant type: single nucleotide variant.
Coding change: c.64-12C>T on transcript NM_004168.4 (MANE Select); 12 bases into the intron before coding-DNA position 64, C replaced by T.
Molecular consequence: intron variant.
Genome position (GRCh38, 1-based): chr5:223,470, C>T. VCF-style: chr5-223470-C-T. GRCh37 (hg19) VCF-style: chr5-223585-C-T.
Other names: c.64-12C>T (NM_001330758.2, NM_001294332.2).
Identifiers: ClinVar variation 1570401 (VCV001570401.10), dbSNP rs769476810, ClinGen allele CA3172710.